The following is an entry in ClinVar:

NM_014780.5(CUL7):c.2791C>T (p.Arg931Trp)

Gene: CUL7 (cullin 7; minus strand). Cytogenetic location: 6p21.1.
Variant type: single nucleotide variant.
Coding change: c.2791C>T on transcript NM_014780.5 (MANE Select); coding-DNA position 2791, C replaced by T.
Protein change: p.Arg931Trp; replaces arginine 931 with tryptophan.
Molecular consequence: missense variant.
Genome position (GRCh38, 1-based): chr6:43,045,658, G>A on the plus strand (C>T on the coding strand, the complement: CUL7 is on the minus strand). VCF-style: chr6-43045658-G-A. GRCh37 (hg19) VCF-style: chr6-43013396-G-A.
Other names: c.2887C>T, p.Arg963Trp (NM_001168370.2, NM_001374872.1); c.2791C>T, p.Arg931Trp (NM_001374873.1, NM_001374874.1); short protein forms R931W, R963W.
Identifiers: ClinVar variation 1427010 (VCV001427010.6), dbSNP rs372556236, ClinGen allele CA3813691.

ClinVar aggregate classification (germline): Uncertain significance (1 of 4 stars; one submission).

Allele frequency attached by ClinVar (database versions not stated): ExAC 0.00002; gnomAD exomes 0.00003; ESP Exome Variant Server 0.00008.
gnomAD v4.1: 53 of 1,614,070 alleles (0.0033%); highest among the groups gnomAD compares: Non-Finnish European, 0.0042%; no homozygotes.

Submission:

Labcorp Genetics (formerly Invitae), Labcorp
Classification: Uncertain significance. Last evaluated: 2021-04-18. Review status: criteria provided, single submitter. Criteria: Invitae Variant Classification Sherloc (09022015). Collection method: clinical testing. Allele origin: germline.
Comment: Algorithms developed to predict the effect of missense changes on protein structure and function (SIFT, PolyPhen-2, Align-GVGD) all suggest that this variant is likely to be disruptive, but these predictions have not been confirmed by published functional studies and their clinical significance is uncertain. This variant has not been reported in the literature in individuals with CUL7-related conditions. This variant is present in population databases (rs372556236, ExAC 0.01%). This sequence change replaces arginine with tryptophan at codon 931 of the CUL7 protein (p.Arg931Trp). The arginine residue is highly conserved and there is a moderate physicochemical difference between arginine and tryptophan. In summary, the available evidence is currently insufficient to determine the role of this variant in disease. Therefore, it has been classified as a Variant of Uncertain Significance.